The following is an entry in ClinVar:

NM_030780.5(SLC25A32):c.105A>C (p.Leu35Phe)

Gene: SLC25A32 (solute carrier family 25 member 32; minus strand). Cytogenetic location: 8q22.3.
Variant type: single nucleotide variant.
Coding change: c.105A>C on transcript NM_030780.5 (MANE Select); coding-DNA position 105, A replaced by C.
Protein change: p.Leu35Phe; replaces leucine 35 with phenylalanine.
Molecular consequence: missense variant. On other transcripts: non-coding transcript variant (2).
Genome position (GRCh38, 1-based): chr8:103,414,833, T>G on the plus strand (A>C on the coding strand, the complement: SLC25A32 is on the minus strand). VCF-style: chr8-103414833-T-G. GRCh37 (hg19) VCF-style: chr8-104427061-T-G.
Other names: short protein forms L35F.
Identifiers: ClinVar variation 3643297 (VCV003643297.2).
Genomic context (GRCh38, chr8:103,414,833, plus strand): 5'-CGGGCTCTTACCGGCGAAGCGGATCTTCACGAGGTCGAGCGGATGCAGCGCAAGGTTGGA[T>G]AAGACGCCGCCGCTCACGCCCGCTATCAGGTTCTCATACCGGACGTGGCGGAATACCGTG-3'
Protein context (NP_110407.2, residues 25-45): NLIAGVSGGV[Leu35Phe]SNLALHPLDL

ClinVar aggregate classification (germline): Uncertain significance (1 of 4 stars; one submission).

Submission:

Labcorp Genetics (formerly Invitae), Labcorp
Classification: Uncertain significance. Last evaluated: 2024-02-25. Review status: criteria provided, single submitter. Criteria: Invitae Variant Classification Sherloc (09022015). Collection method: clinical testing. Allele origin: germline.
Comment: This sequence change replaces leucine, which is neutral and non-polar, with phenylalanine, which is neutral and non-polar, at codon 35 of the SLC25A32 protein (p.Leu35Phe). This variant is not present in population databases (gnomAD no frequency). This variant has not been reported in the literature in individuals affected with SLC25A32-related conditions. Advanced modeling of protein sequence and biophysical properties (such as structural, functional, and spatial information, amino acid conservation, physicochemical variation, residue mobility, and thermodynamic stability) performed at Invitae indicates that this missense variant is not expected to disrupt SLC25A32 protein function with a negative predictive value of 80%. In summary, the available evidence is currently insufficient to determine the role of this variant in disease. Therefore, it has been classified as a Variant of Uncertain Significance.